The following is an entry in ClinVar:

NM_000642.3(AGL):c.4450G>A (p.Val1484Ile)

Gene: AGL (amylo-alpha-1,6-glucosidase and 4-alpha-glucanotransferase; plus strand). Cytogenetic location: 1p21.2.
Variant type: single nucleotide variant.
Coding change: c.4450G>A on transcript NM_000642.3 (MANE Select); coding-DNA position 4450, G replaced by A.
Protein change: p.Val1484Ile; replaces valine 1484 with isoleucine.
Molecular consequence: missense variant.
Genome position (GRCh38, 1-based): chr1:99,916,700, G>A. VCF-style: chr1-99916700-G-A. GRCh37 (hg19) VCF-style: chr1-100382256-G-A.
Other names: p.Val1484Ile; c.4246G>A, p.Val1416Ile (NM_001425328.1); c.4111G>A, p.Val1371Ile (NM_001425329.1); c.4072G>A, p.Val1358Ile (NM_001425332.1); c.4450G>A, p.Val1484Ile (NM_000028.3, NM_000643.3, NM_000644.3 and 1 more transcripts); c.4402G>A, p.Val1468Ile (NM_000646.3); c.4429G>A, p.Val1477Ile (NM_001425326.1); c.4249G>A, p.Val1417Ile (NM_001425327.1); short protein forms V1484I, V1468I, V1358I, V1371I, V1416I, V1417I, V1477I.
Identifiers: ClinVar variation 582646 (VCV000582646.12), dbSNP rs75076115, ClinGen allele CA967442.

ClinVar aggregate classification (germline): Conflicting classifications of pathogenicity. Review status: criteria provided, conflicting classifications (1 of 4 stars). 5 submissions from 5 submitters: Uncertain significance (2); Likely benign (2). 1 of the submissions does not count toward it. Last evaluated 2026-01-26.

Conditions:
Inborn genetic diseases. Identifiers: MedGen C0950123, MeSH D030342.
Glycogen storage disease type III (GSD3). Also called: Cori disease; FORBES DISEASE. Identifiers: Orphanet 366, MedGen C0017922, MONDO:0009291, OMIM 232400.

Allele frequency attached by ClinVar (database versions not stated): 1000 Genomes Project 30x 0.00078; gnomAD exomes 0.00007; ExAC 0.00012; gnomAD 0.00026 and 0.00027; TOPMed 0.00027; ESP Exome Variant Server 0.00038; 1000 Genomes Project 0.00060.
gnomAD v4.1: 67 of 1,613,260 alleles (0.0042%); highest among the groups gnomAD compares: African/African-American, 0.087%; no homozygotes.

Submissions (5):

Labcorp Genetics (formerly Invitae), Labcorp
Classification: Likely benign for Glycogen storage disease type III. Last evaluated: 2026-01-26. Review status: criteria provided, single submitter. Criteria: Invitae Variant Classification Sherloc (09022015). Collection method: clinical testing. Allele origin: germline.

Ambry Genetics
Classification: Uncertain significance for Inborn genetic diseases. Last evaluated: 2025-09-25. Review status: criteria provided, single submitter. Criteria: Ambry Variant Classification Scheme 2023. Collection method: clinical testing. Allele origin: germline.

Mayo Clinic Laboratories, Mayo Clinic
Classification: Likely benign. Last evaluated: 2025-07-26. Review status: criteria provided, single submitter. Criteria: ACMG Guidelines, 2015. Collection method: clinical testing. Allele origin: germline. Observed: 1 variant allele.
Comment: BS1, BP4

Fulgent Genetics
Classification: Uncertain significance for Glycogen storage disease type III. Last evaluated: 2021-12-22. Review status: criteria provided, single submitter. Criteria: ACMG Guidelines, 2015. Collection method: clinical testing. Allele origin: unknown.

Natera, Inc.
Classification: Uncertain significance for Glycogen storage disease type III. Last evaluated: 2019-10-28. Review status: no assertion criteria provided. Collection method: clinical testing. Allele origin: germline. Not counted in ClinVar's aggregate classification.